The following is an entry in ClinVar:

NM_001943.5(DSG2):c.523+1G>A

Gene: DSG2 (desmoglein 2; plus strand). Cytogenetic location: 18q12.1.
Variant type: single nucleotide variant.
Coding change: c.523+1G>A on transcript NM_001943.5 (MANE Select); the canonical splice donor site of the intron after coding-DNA position 523, G replaced by A.
Molecular consequence: splice donor variant.
Genome position (GRCh38, 1-based): chr18:31,521,244, G>A. VCF-style: chr18-31521244-G-A. GRCh37 (hg19) VCF-style: chr18-29101207-G-A.
Identifiers: ClinVar variation 188446 (VCV000188446.32), dbSNP rs553299589, ClinGen allele CA022136.

ClinVar aggregate classification (germline): Conflicting classifications of pathogenicity. Review status: criteria provided, conflicting classifications (1 of 4 stars). 11 submissions from 11 submitters: Pathogenic (5); Likely pathogenic (4); Uncertain significance (2). Last evaluated 2025-11-26.

Conditions:
Cardiovascular phenotype. Identifiers: MedGen CN230736.
Cardiomyopathy (CMYO). Also called: Cardiomyopathies. Identifiers: Orphanet 167848, MedGen C0878544, MONDO:0004994, HP:0001638. Inheritance: Various modes of inheritance.
Arrhythmogenic right ventricular cardiomyopathy (ARVD). Also called: Arrhythmogenic cardiomyopathy; Arrhythmogenic Right Ventricular Cardiomyopathy (ARVC); Cardiomyopathy, ARVC; Arrhythmogenic right ventricular dysplasia. Identifiers: Orphanet 247, MedGen C0349788, MeSH D019571, MONDO:0016587. Disease mechanism: loss of function. Inheritance: Various modes of inheritance.
Arrhythmogenic right ventricular dysplasia 10. Also called: Arrhythmogenic right ventricular dysplasia/cardiomyopathy, type 10; ARRHYTHMOGENIC RIGHT VENTRICULAR DYSPLASIA, FAMILIAL, 10; Arrhythmogenic Right Ventricular Dysplasia/Cardiomyopathy10. Identifiers: MedGen C1857777, MONDO:0012434, OMIM 610193.
Arrhythmogenic right ventricular dysplasia 9 (ARVD9). Also called: ARRHYTHMOGENIC RIGHT VENTRICULAR DYSPLASIA, FAMILIAL, 9; Arrhythmogenic Right Ventricular Dysplasia/Cardiomyopathy 9. Identifiers: MedGen C1836906, MONDO:0012180, OMIM 609040.

Submissions (11):

GeneDx
Classification: Pathogenic. Last evaluated: 2025-11-26. Review status: criteria provided, single submitter. Criteria: GeneDx Variant Classification Process June 2021. Collection method: clinical testing. Allele origin: germline. Affected: yes.
Comment: Reported in individuals with cardiomyopathy (primarily ARVC) and coronary artery disease (CAD)-related sudden cardiac death (SCD) (PMID: 30731207, 27532257, 30790397, 35087879, 28600387, 34400560); Canonical splice site variant predicted to result in a null allele in a gene for which loss of function is a known mechanism of disease; Not observed at significant frequency in large population cohorts (gnomAD); This variant is associated with the following publications: (PMID: 30790397, 28471438, 35087879, 27532257, 31402444, 30731207, 37183561, 36556183, 28600387, 20716751, 39033325, 35747619, 34400560, 35653365, 21859740)

Labcorp Genetics (formerly Invitae), Labcorp
Classification: Pathogenic for Arrhythmogenic right ventricular dysplasia 10. Last evaluated: 2025-11-12. Review status: criteria provided, single submitter. Criteria: Invitae Variant Classification Sherloc (09022015). Collection method: clinical testing. Allele origin: germline.
Comment: This sequence change affects a donor splice site in intron 5 of the DSG2 gene. It is expected to disrupt RNA splicing. Variants that disrupt the donor or acceptor splice site typically lead to a loss of protein function (PMID: 16199547), and loss-of-function variants in DSG2 are known to be pathogenic (PMID: 17105751, 31386562). The frequency data for this variant in the population databases is considered unreliable, as metrics indicate poor data quality at this position in the gnomAD database. Disruption of this splice site has been observed in individuals with arrhythmogenic right ventricular cardiomyopathy (PMID: 20400443, 20857253, 27532257, 33238575; internal data). ClinVar contains an entry for this variant (Variation ID: 188446). Algorithms developed to predict the effect of sequence changes on RNA splicing suggest that this variant may disrupt the consensus splice site. For these reasons, this variant has been classified as Pathogenic.

Color Diagnostics, LLC DBA Color Health
Classification: Uncertain significance for Cardiomyopathy. Last evaluated: 2025-07-07. Review status: criteria provided, single submitter. Criteria: ACMG Guidelines, 2015. Collection method: clinical testing. Allele origin: germline.
Comment: This variant causes a G>A nucleotide substitution at the +1 position of intron 5 of the DSG2 gene. Splice prediction tools suggest that this variant may have a significant impact on splicing. To our knowledge, functional studies have not been reported for this variant. This variant has been reported in five individuals affected with arrhythmogenic right ventricular cardiomyopathy including one who was homozygous (PMID: 27532257, 28600387, 30790397, ClinVar SCV002569966.1), and in another individual affected with sudden cardiac death with single vessel coronary artery disease and hypertrophied heart (PMID: 35087879). This variant has been identified in 1/238030 chromosomes in the general population by the Genome Aggregation Database (gnomAD). Clinical relevance of loss-of-function DSG2 truncation and splice variants in autosomal dominant cardiovascular disorders is not clearly established. The available evidence is insufficient to determine the role of this variant in disease conclusively. Therefore, this variant is classified as a Variant of Uncertain Significance.

Ambry Genetics
Classification: Likely pathogenic for Cardiovascular phenotype. Last evaluated: 2025-04-18. Review status: criteria provided, single submitter. Criteria: Ambry Variant Classification Scheme 2023. Collection method: clinical testing. Allele origin: germline.
Comment: The c.523+1G>A intronic variant results from a G to A substitution one nucleotide after coding exon 5 of the DSG2 gene. This alteration has been reported in cardiomyopathy cohorts, including arrhythmogenic right ventricular cardiomyopathy (ARVC) cohorts, as well as a sudden cardiac arrest cohort (Mellor G et al. Circ Cardiovasc Genet, 2017 Jun;10; Walsh R et al. Genet Med, 2017 02;19:192-203; Daoud H et al. J Mol Diagn, 2019 05;21:437-448; Hermida A et al. Eur J Heart Fail, 2019 06;21:792-800; Ye JZ et al. Clin Genet, 2019 12;96:506-514). This nucleotide position is highly conserved in available vertebrate species. In silico splice site analysis predicts that this alteration will weaken the native splice donor site and may result in the creation or strengthening of a novel splice donor site. Alterations that disrupt the canonical splice site are expected to cause aberrant splicing, resulting in an abnormal protein or a transcript that is subject to nonsense-mediated mRNA decay. As such, this alteration is classified as likely pathogenic.

Variantyx, Inc.
Classification: Pathogenic for Arrhythmogenic right ventricular dysplasia 10. Last evaluated: 2025-03-27. Review status: criteria provided, single submitter. Criteria: Variantyx Assertion Criteria 2022. Collection method: clinical testing. Allele origin: maternal.
Comment: This is a canonical splicing variant in the DSG2 gene (OMIM: 125671). Pathogenic variants in this gene have been associated with autosomal dominant arrhythmogenic right ventricular dysplasia 10. This splicing variant is expected to result in loss of function, which is a known disease mechanism for DSG2 in this disorder (PMID: 17105751, 31386562, 30790397) (PVS1). This variant has been identified in the homozygous or compound heterozygous state in, at least 1 individual(s) from the published literature (PMID: 30790397) (PM3_Supporting). This variant has a 0.0014% maximum allele frequency in non-founder control populations (PM2_Supporting). Algorithms that predict the potential impact of sequence variants on RNA splicing suggest that this variant has conflicting evidence regarding the effect on splicing. Based on the current evidence, this variant is classified as pathogenic for autosomal dominant arrhythmogenic right ventricular dysplasia 10.

Institute of Human Genetics, University of Leipzig Medical Center
Classification: Pathogenic for Arrhythmogenic right ventricular dysplasia 10. Last evaluated: 2024-09-27. Review status: criteria provided, single submitter. Criteria: ACMG Guidelines, 2015. Collection method: clinical testing. Allele origin: unknown. Inheritance: Autosomal dominant inheritance. Affected: yes.
Comment: Criteria applied: PVS1,PS4_MOD

All of Us Research Program, National Institutes of Health
Classification: Uncertain significance for Arrhythmogenic right ventricular cardiomyopathy. Last evaluated: 2024-07-29. Review status: criteria provided, single submitter. Criteria: ACMG Guidelines, 2015. Collection method: clinical testing. Allele origin: germline. Inheritance: Autosomal dominant inheritance. Observed: 3 variant alleles, 3 heterozygotes.
Comment: This variant causes a G>A nucleotide substitution at the +1 position of intron 5 of the DSG2 gene. Splice prediction tools suggest that this variant may have a significant impact on splicing. To our knowledge, functional studies have not been reported for this variant. This variant has been reported in five individuals affected with arrhythmogenic right ventricular cardiomyopathy including one who was homozygous (PMID: 27532257, 28600387, 30790397, ClinVar SCV002569966.1), and in another individual affected with sudden cardiac death with single vessel coronary artery disease and hypertrophied heart (PMID: 35087879). This variant has been identified in 1/238030 chromosomes in the general population by the Genome Aggregation Database (gnomAD). Although there is a suspicion for a pathogenic role, clinical significance of loss-of-function DSC2 variants in autosomal dominant arrhythmogenic right ventricular cardiomyopathy is not yet clearly established. The available evidence is insufficient to determine the role of this variant in disease conclusively. Therefore, this variant is classified as a Variant of Uncertain Significance.

This study involves interpretation of variants in research participants for the purpose of population health screening. Participant phenotype was not available at the time of variant classification. Additional details can be found in publication PMID: 35346344, PMCID: PMC8962531

Petrovsky National Research Centre of Surgery, The Federal Agency for Scientific Organizations
Classification: Pathogenic for Arrhythmogenic right ventricular dysplasia 9. Last evaluated: 2022-09-08. Review status: criteria provided, single submitter. Criteria: ACMG Guidelines, 2015. Collection method: clinical testing. Allele origin: germline. Inheritance: Autosomal dominant inheritance. Affected: yes. Observed: 1 heterozygote.
Comment: This variant is not present in LOVD database, not observed at significant frequency in large population cohorts (gnomAD v3.1.2). Online bioinformatic resources classify the с.523+1G>A variant as probably pathogenic. It is expected to result in splice sites changes in mRNA. This variant has been reported in individuals affected with arrhythmogenic right ventricular cardiomyopathy (PMID: 30790397, 28471438, 35087879, 27532257). Due to the fact that our patients were also diagnosed with ARVC, we assume that the с.523+1G>A variant could be classified as Pathogenic.

AiLife Diagnostics
Classification: Likely pathogenic. Last evaluated: 2021-08-11. Review status: criteria provided, single submitter. Criteria: ACMG Guidelines, 2015. Collection method: clinical testing. Allele origin: germline. Affected: yes. Observed: 1 variant allele.

Laboratory for Molecular Medicine, Mass General Brigham Personalized Medicine
Classification: Likely pathogenic for Arrhythmogenic right ventricular cardiomyopathy. Last evaluated: 2016-02-29. Review status: criteria provided, single submitter. Criteria: ACMG Guidelines, 2015. Collection method: clinical testing. Allele origin: germline. Inheritance: Autosomal dominant inheritance.
Comment: The c.523+1G>A variant in DSG2 has not been previously reported in individuals with cardiomyopathy or in large population studies. This variant occurs in the invariant region (+/- 1,2) of the splice consensus sequence and is predicted to cause altered splicing leading to an abnormal or absent protein. Splicing and other truncating variants in the DSG2 gene are established as disease-causing for ARVC. In summary, although additional studies are required to fully establish its clinical significance, the c.523+1G>A variant is likely pathogenic for ARVC.

Juno Genomics, Hangzhou Juno Genomics, Inc
Classification: Likely pathogenic for Arrhythmogenic right ventricular dysplasia 10. Review status: criteria provided, single submitter. Criteria: ACMG Guidelines, 2015. Collection method: clinical testing. Allele origin: germline.
Comment: Absent from controls (or at extremely low frequency if recessive) in Genome Aggregation Database.;Null variant in a gene where loss of function (LOF) is a known mechanism of disease.;The prevalence of the variant in affected individuals is significantly increased compared to the prevalence in controls.

Literature cited by the submitters: PubMed 16199547 (cited by Labcorp Genetics (formerly Invitae), Labcorp); PubMed 17105751 (cited by Labcorp Genetics (formerly Invitae), Labcorp); PubMed 31386562 (cited by Labcorp Genetics (formerly Invitae), Labcorp); PubMed 20400443 (cited by Labcorp Genetics (formerly Invitae), Labcorp); PubMed 20857253 (cited by Labcorp Genetics (formerly Invitae), Labcorp); PubMed 27532257 (cited by 5 submitters); PubMed 33238575 (cited by Labcorp Genetics (formerly Invitae), Labcorp); PubMed 28600387 (cited by 3 submitters); PubMed 30790397 (cited by 4 submitters); PubMed 35087879 (cited by Color Diagnostics, LLC DBA Color Health and All of Us Research Program, National Institutes of Health); PubMed 30731207 (cited by Ambry Genetics and AiLife Diagnostics); PubMed 31402444 (cited by Ambry Genetics and AiLife Diagnostics); PubMed 35653365 (cited by Ambry Genetics); PubMed 21859740 (cited by Laboratory for Molecular Medicine, Mass General Brigham Personalized Medicine); PubMed 20716751 (cited by Laboratory for Molecular Medicine, Mass General Brigham Personalized Medicine).